The following is an entry in ClinVar:

ClinVar aggregate classification (germline): Uncertain significance (1 of 4 stars; one submission).

Conditions:
Hereditary cancer-predisposing syndrome. Also called: Neoplastic Syndromes, Hereditary; Tumor predisposition; Hereditary Cancer Syndrome; Hereditary neoplastic syndrome. Identifiers: Orphanet 140162, MedGen C0027672, MeSH D009386, MONDO:0015356.

Submission:

Ambry Genetics
Classification: Uncertain significance for Hereditary cancer-predisposing syndrome. Last evaluated: 2024-10-13. Review status: criteria provided, single submitter. Criteria: Ambry Variant Classification Scheme 2023. Collection method: clinical testing. Allele origin: germline.
Comment: The p.K427Q variant (also known as c.1279A>C), located in coding exon 13 of the RB1 gene, results from an A to C substitution at nucleotide position 1279. The lysine at codon 427 is replaced by glutamine, an amino acid with similar properties. This amino acid position is conserved. In addition, the in silico prediction for this alteration is inconclusive. Based on the available evidence, the clinical significance of this variant remains unclear.

NM_000321.3(RB1):c.1279A>C (p.Lys427Gln)

Gene: RB1 (RB transcriptional corepressor 1; plus strand). Cytogenetic location: 13q14.2.
Variant type: single nucleotide variant.
Coding change: c.1279A>C on transcript NM_000321.3 (MANE Select); coding-DNA position 1279, A replaced by C.
Protein change: p.Lys427Gln; replaces lysine 427 with glutamine.
Molecular consequence: missense variant.
Genome position (GRCh38, 1-based): chr13:48,376,981, A>C. VCF-style: chr13-48376981-A-C. GRCh37 (hg19) VCF-style: chr13-48951117-A-C.
Other names: c.1279A>C, p.Lys427Gln (NM_001407165.1, NM_001407166.1); short protein forms K427Q.
Identifiers: ClinVar variation 3430906 (VCV003430906.1).